The following is an entry in ClinVar:

ClinVar aggregate classification (germline): Benign/Likely benign. Review status: criteria provided, multiple submitters, no conflicts (2 of 4 stars). 7 submissions from 7 submitters: Benign (3); Likely benign (2). 2 of the submissions do not count toward it. Last evaluated 2025-12-31.

Conditions:
Inflammatory bowel disease 28. Also called: Inflammatory bowel disease 28, early onset, autosomal recessive. Identifiers: Orphanet 238569, MedGen C2751053, MONDO:0013153, OMIM 613148.

Allele frequency attached by ClinVar (database versions not stated): gnomAD exomes 0.00040 and 0.00085; ExAC 0.00110; gnomAD 0.00263 and 0.00277; TOPMed 0.00283; ESP Exome Variant Server 0.00292; 1000 Genomes Project 0.00300; 1000 Genomes Project 30x 0.00375.
gnomAD v4.1: 1,018 of 1,614,068 alleles (0.063%); highest among the groups gnomAD compares: African/African-American, 0.89%; 6 homozygotes.

Submissions (7):

Labcorp Genetics (formerly Invitae), Labcorp
Classification: Benign for Inflammatory bowel disease 28. Last evaluated: 2025-12-31. Review status: criteria provided, single submitter. Criteria: Invitae Variant Classification Sherloc (09022015). Collection method: clinical testing. Allele origin: germline.

Blueprint Genetics
Classification: Likely benign. Last evaluated: 2024-11-27. Review status: criteria provided, single submitter. Criteria: ACMG Guidelines, 2015. Collection method: clinical testing. Allele origin: germline.

CeGaT Center for Human Genetics Tuebingen
Classification: Likely benign. Last evaluated: 2023-02-01. Review status: criteria provided, single submitter. Criteria: CeGaT Center For Human Genetics Tuebingen Variant Classification Criteria Version 2. Collection method: clinical testing. Allele origin: germline. Affected: yes. Observed: 1 variant allele.
Comment: IL10RA: BP4, BS2

Illumina Laboratory Services, Illumina
Classification: Benign for Inflammatory bowel disease 28. Last evaluated: 2017-04-27. Review status: criteria provided, single submitter. Criteria: ICSL Variant Classification Criteria 13 December 2019. Collection method: clinical testing. Allele origin: germline.
Comment: This variant was observed as part of a predisposition screen in an ostensibly healthy population. A literature search was performed for the gene, cDNA change, and amino acid change (where applicable). No publications were found based on this search. Allele frequency data from public databases was too high to be consistent with this variant causing disease. Therefore, this variant is classified as benign.

Breakthrough Genomics
Classification: Benign. Review status: criteria provided, single submitter. Criteria: ACMG Guidelines, 2015. Collection method: not provided. Allele origin: germline. Inheritance: Autosomal recessive inheritance. Affected: yes.

Clinical Genetics DNA and cytogenetics Diagnostics Lab, Erasmus MC, Erasmus Medical Center
Classification: Likely benign. Review status: no assertion criteria provided. Collection method: clinical testing. Allele origin: germline. Affected: yes. Study: VKGL Data-share Consensus. Not counted in ClinVar's aggregate classification.

Genome Diagnostics Laboratory, University Medical Center Utrecht
Classification: Likely benign. Review status: no assertion criteria provided. Collection method: clinical testing. Allele origin: germline. Affected: yes. Study: VKGL Data-share Consensus. Not counted in ClinVar's aggregate classification.

NM_001558.4(IL10RA):c.136A>G (p.Thr46Ala)

Gene: IL10RA (interleukin 10 receptor subunit alpha; plus strand). Cytogenetic location: 11q23.3.
Variant type: single nucleotide variant.
Coding change: c.136A>G on transcript NM_001558.4 (MANE Select); coding-DNA position 136, A replaced by G.
Protein change: p.Thr46Ala; replaces threonine 46 with alanine.
Molecular consequence: missense variant. On other transcripts: non-coding transcript variant (1).
Genome position (GRCh38, 1-based): chr11:117,988,450, A>G. VCF-style: chr11-117988450-A-G. GRCh37 (hg19) VCF-style: chr11-117859165-A-G.
Other names: short protein forms T46A.
Identifiers: ClinVar variation 470620 (VCV000470620.43), dbSNP rs112317511, ClinGen allele CA6298839.